The following is an entry in ClinVar:

NM_002968.3(SALL1):c.460_480del (p.Ser154_Gly160del)

Gene: SALL1 (spalt like transcription factor 1; minus strand). Cytogenetic location: 16q12.1.
Variant type: Deletion.
Coding change: c.460_480del on transcript NM_002968.3 (MANE Select); coding-DNA positions 460 to 480, 21 bases deleted (AGCAGCAGCAGCAGCAGCGGC).
Protein change: p.Ser154_Gly160del.
Molecular consequence: inframe deletion.
Genome position (GRCh38, 1-based): chr16:51,141,742-51,141,762, GCCGCTGCTGCTGCTGCTGCT deleted on the plus strand (AGCAGCAGCAGCAGCAGCGGC on the coding strand, the reverse complement: SALL1 is on the minus strand); deleting any 21 consecutive bases within chr16:51,141,742-51,141,764 gives the same sequence; the c. name uses the placement nearest the transcript's 3' end. VCF-style (leftmost placement, unchanged base first): chr16-51141741-CGCCGCTGCTGCTGCTGCTGCT-C. GRCh37 (hg19) VCF-style: chr16-51175652-CGCCGCTGCTGCTGCTGCTGCT-C.
Other names: c.169_189del, p.Ser57_Gly63del (NM_001127892.2).
Identifiers: ClinVar variation 2037309 (VCV002037309.4), dbSNP rs747995210, ClinGen allele CA8053458.

ClinVar aggregate classification (germline): Uncertain significance (1 of 4 stars; one submission).

Conditions:
Townes syndrome (TBS). Also called: Townes-Brocks syndrome. Identifiers: Orphanet 857, MedGen C0265246, MeSH C536974, MONDO:0007142.

Submission:

Labcorp Genetics (formerly Invitae), Labcorp
Classification: Uncertain significance for Townes syndrome. Last evaluated: 2025-04-23. Review status: criteria provided, single submitter. Criteria: Invitae Variant Classification Sherloc (09022015). Collection method: clinical testing. Allele origin: germline.
Comment: This variant, c.460_480del, results in the deletion of 7 amino acid(s) of the SALL1 protein (p.Ser154_Gly160del), but otherwise preserves the integrity of the reading frame. The frequency data for this variant in the population databases is considered unreliable, as metrics indicate poor data quality at this position in the gnomAD database. This variant has not been reported in the literature in individuals affected with SALL1-related conditions. ClinVar contains an entry for this variant (Variation ID: 2037309). Experimental studies and prediction algorithms are not available or were not evaluated, and the functional significance of this variant is currently unknown. In summary, the available evidence is currently insufficient to determine the role of this variant in disease. Therefore, it has been classified as a Variant of Uncertain Significance.